The following is an entry in ClinVar:

NM_002335.4(LRP5):c.1081G>C (p.Asp361His)

Gene: LRP5 (LDL receptor related protein 5; plus strand). Cytogenetic location: 11q13.2.
Variant type: single nucleotide variant.
Coding change: c.1081G>C on transcript NM_002335.4 (MANE Select); coding-DNA position 1081, G replaced by C.
Protein change: p.Asp361His; replaces aspartic acid 361 with histidine.
Molecular consequence: missense variant. On other transcripts: 5 prime UTR variant (1).
Genome position (GRCh38, 1-based): chr11:68,386,381, G>C. VCF-style: chr11-68386381-G-C. GRCh37 (hg19) VCF-style: chr11-68153849-G-C.
Other names: c.-685G>C (NM_001291902.2); short protein forms D361H.
Identifiers: ClinVar variation 2758869 (VCV002758869.3), dbSNP rs2496597692, ClinGen allele CA381612191.
Genomic context (GRCh38, chr11:68,386,381, plus strand): 5'-GAGGAGGTGCTGCTGCTGGCCCGGCGGACGGACCTACGGAGGATCTCGCTGGACACGCCG[G>C]ACTTCACCGACATCGTGCTGCAGGTGGACGACATCCGGCACGCCATTGCCATCGACTACG-3'
Protein context (NP_002326.2, residues 351-371): DLRRISLDTP[Asp361His]FTDIVLQVDD

ClinVar aggregate classification (germline): Uncertain significance (1 of 4 stars; one submission).

Submission:

Labcorp Genetics (formerly Invitae), Labcorp
Classification: Uncertain significance. Last evaluated: 2024-03-11. Review status: criteria provided, single submitter. Criteria: Invitae Variant Classification Sherloc (09022015). Collection method: clinical testing. Allele origin: germline.
Comment: This sequence change replaces aspartic acid, which is acidic and polar, with histidine, which is basic and polar, at codon 361 of the LRP5 protein (p.Asp361His). This variant is not present in population databases (gnomAD no frequency). This variant has not been reported in the literature in individuals affected with LRP5-related conditions. Advanced modeling of protein sequence and biophysical properties (such as structural, functional, and spatial information, amino acid conservation, physicochemical variation, residue mobility, and thermodynamic stability) has been performed at Invitae for this missense variant, however the output from this modeling did not meet the statistical confidence thresholds required to predict the impact of this variant on LRP5 protein function. In summary, the available evidence is currently insufficient to determine the role of this variant in disease. Therefore, it has been classified as a Variant of Uncertain Significance.